The following is an entry in ClinVar:

ClinVar aggregate classification (germline): Uncertain significance (1 of 4 stars; one submission).

Conditions:
MEGF10-related myopathy (CMYO10A). Also called: Congenital myopathy 10A, severe variant. Identifiers: Orphanet 439212, MedGen C3280679, MONDO:0013731, OMIM 614399.

Allele frequency attached by ClinVar (database versions not stated): gnomAD exomes below 0.00001; gnomAD 0.00001; TOPMed 0.00002.
gnomAD v4.1: 4 of 1,613,932 alleles (0.00025%); highest among the groups gnomAD compares: African/African-American, 0.004%; no homozygotes.

Submission:

Labcorp Genetics (formerly Invitae), Labcorp
Classification: Uncertain significance for MEGF10-related myopathy. Last evaluated: 2024-01-22. Review status: criteria provided, single submitter. Criteria: Invitae Variant Classification Sherloc (09022015). Collection method: clinical testing. Allele origin: germline.
Comment: This sequence change replaces tyrosine, which is neutral and polar, with histidine, which is basic and polar, at codon 741 of the MEGF10 protein (p.Tyr741His). This variant is present in population databases (no rsID available, gnomAD 0.007%). This variant has not been reported in the literature in individuals affected with MEGF10-related conditions. ClinVar contains an entry for this variant (Variation ID: 539956). Advanced modeling of protein sequence and biophysical properties (such as structural, functional, and spatial information, amino acid conservation, physicochemical variation, residue mobility, and thermodynamic stability) performed at Invitae indicates that this missense variant is not expected to disrupt MEGF10 protein function with a negative predictive value of 80%. In summary, the available evidence is currently insufficient to determine the role of this variant in disease. Therefore, it has been classified as a Variant of Uncertain Significance.

NM_001256545.2(MEGF10):c.2221T>C (p.Tyr741His)

Gene: MEGF10 (multiple EGF like domains 10; plus strand). Cytogenetic location: 5q23.2.
Variant type: single nucleotide variant.
Coding change: c.2221T>C on transcript NM_001256545.2 (MANE Select); coding-DNA position 2221, T replaced by C.
Protein change: p.Tyr741His; replaces tyrosine 741 with histidine.
Molecular consequence: missense variant.
Genome position (GRCh38, 1-based): chr5:127,438,555, T>C. VCF-style: chr5-127438555-T-C. GRCh37 (hg19) VCF-style: chr5-126774247-T-C.
Other names: c.2221T>C, p.Tyr741His (NM_032446.3); short protein forms Y741H.
Identifiers: ClinVar variation 539956 (VCV000539956.9), dbSNP rs907242213, ClinGen allele CA126962226.
Genomic context (GRCh38, chr5:127,438,555, plus strand): 5'-GGAGCTTTCTGCAGCGCCTACGATGGGGAATGTAAATGCACTCCTGGCTGGACAGGGCTC[T>C]ACTGCACTCAGAGTAAGTGACAAGCCTTCTGAGGCTCACCAAGGGGAGCCTTGTCCAAGG-3'
Protein context (NP_001243474.1, residues 731-751): CKCTPGWTGL[Tyr741His]CTQRCPLGFY